The following is an entry in ClinVar:

NM_003240.5(LEFTY2):c.994G>A (p.Glu332Lys)

Gene: LEFTY2 (left-right determination factor 2; minus strand). Cytogenetic location: 1q42.12.
Variant type: single nucleotide variant.
Coding change: c.994G>A on transcript NM_003240.5 (MANE Select); coding-DNA position 994, G replaced by A.
Protein change: p.Glu332Lys; replaces glutamic acid 332 with lysine.
Molecular consequence: missense variant.
Genome position (GRCh38, 1-based): chr1:225,937,548, C>T on the plus strand (G>A on the coding strand, the complement: LEFTY2 is on the minus strand). VCF-style: chr1-225937548-C-T. GRCh37 (hg19) VCF-style: chr1-226125248-C-T.
Other names: c.892G>A, p.Glu298Lys (NM_001172425.3); short protein forms E298K, E332K.
Identifiers: ClinVar variation 1407801 (VCV001407801.8), dbSNP rs767847665, ClinGen allele CA1420428.
Genomic context (GRCh38, chr1:225,937,548, plus strand): 5'-TGCACTTCTGCACCCTCATGTTGGGCAGGCTGACCACCTGGGGCCTGGTCCTGCCTCCCT[C>T]CTTGATGCTGACGATCATGGGCAGCGAGGCAGTCTCCGAGGCGATACACTGTCGCGGCCC-3'
Protein context (NP_003231.2, residues 322-342): ASLPMIVSIK[Glu332Lys]GGRTRPQVVS

ClinVar aggregate classification (germline): Uncertain significance (1 of 4 stars; one submission).

Conditions:
Left-right axis malformations. Identifiers: MedGen C1866091.

Allele frequency attached by ClinVar (database versions not stated): gnomAD exomes 0.00001 and 0.00002; ExAC 0.00002.
gnomAD v4.1: 12 of 1,614,048 alleles (0.00074%); highest among the groups gnomAD compares: South Asian, 0.012%; no homozygotes.

Submission:

Labcorp Genetics (formerly Invitae), Labcorp
Classification: Uncertain significance for Left-right axis malformations. Last evaluated: 2023-06-15. Review status: criteria provided, single submitter. Criteria: Invitae Variant Classification Sherloc (09022015). Collection method: clinical testing. Allele origin: germline.
Comment: This sequence change replaces glutamic acid, which is acidic and polar, with lysine, which is basic and polar, at codon 332 of the LEFTY2 protein (p.Glu332Lys). This variant is present in population databases (rs767847665, gnomAD 0.01%). This variant has not been reported in the literature in individuals affected with LEFTY2-related conditions. ClinVar contains an entry for this variant (Variation ID: 1407801). An algorithm developed to predict the effect of missense changes on protein structure and function (PolyPhen-2) suggests that this variant is likely to be disruptive. In summary, the available evidence is currently insufficient to determine the role of this variant in disease. Therefore, it has been classified as a Variant of Uncertain Significance.